The following is an entry in ClinVar:

NM_004655.4(AXIN2):c.1801G>A (p.Gly601Ser)

Gene: AXIN2 (axin 2; minus strand). Cytogenetic location: 17q24.1.
Variant type: single nucleotide variant.
Coding change: c.1801G>A on transcript NM_004655.4 (MANE Select); coding-DNA position 1801, G replaced by A.
Protein change: p.Gly601Ser; replaces glycine 601 with serine.
Molecular consequence: missense variant. On other transcripts: intron variant (1).
Genome position (GRCh38, 1-based): chr17:65,536,975, C>T on the plus strand (G>A on the coding strand, the complement: AXIN2 is on the minus strand). VCF-style: chr17-65536975-C-T. GRCh37 (hg19) VCF-style: chr17-63533093-C-T.
Other names: c.1801G>A (LRG_296t1); c.1712+349G>A (NM_001363813.1); short protein forms G601S.
Identifiers: ClinVar variation 408766 (VCV000408766.14), dbSNP rs750354919, ClinGen allele CA8718528.

ClinVar aggregate classification (germline): Conflicting classifications of pathogenicity. Review status: criteria provided, conflicting classifications (1 of 4 stars). 2 submissions from 2 submitters: Uncertain significance (1); Likely benign (1). Last evaluated 2026-06-09.

Conditions:
Hereditary cancer-predisposing syndrome. Also called: Hereditary Cancer Syndrome; Tumor predisposition; Hereditary neoplastic syndrome; Neoplastic Syndromes, Hereditary. Identifiers: Orphanet 140162, MedGen C0027672, MeSH D009386, MONDO:0015356.
Oligodontia-cancer predisposition syndrome. Also called: TOOTH AGENESIS-COLORECTAL CANCER SYNDROME. Identifiers: Orphanet 300576, MedGen C1837750, MONDO:0012075, OMIM 608615. Disease mechanism: loss of function.

Allele frequency attached by ClinVar (database versions not stated): ExAC 0.00002.
gnomAD v4.1: 12 of 1,612,992 alleles (0.00074%); highest among the groups gnomAD compares: South Asian, 0.0066%; no homozygotes.

Submissions (2):

Ambry Genetics
Classification: Likely benign for Hereditary cancer-predisposing syndrome. Last evaluated: 2026-06-09. Review status: criteria provided, single submitter. Criteria: Ambry Variant Classification Scheme 2023. Collection method: clinical testing. Allele origin: germline.

Labcorp Genetics (formerly Invitae), Labcorp
Classification: Uncertain significance for Oligodontia-cancer predisposition syndrome. Last evaluated: 2026-01-20. Review status: criteria provided, single submitter. Criteria: Invitae Variant Classification Sherloc (09022015). Collection method: clinical testing. Allele origin: germline.
Comment: This sequence change replaces glycine, which is neutral and non-polar, with serine, which is neutral and polar, at codon 601 of the AXIN2 protein (p.Gly601Ser). This variant is present in population databases (rs750354919, gnomAD 0.007%). This variant has not been reported in the literature in individuals affected with AXIN2-related conditions. ClinVar contains an entry for this variant (Variation ID: 408766). An algorithm developed to predict the effect of missense changes on protein structure and function outputs the following: PolyPhen-2: "Benign". The serine amino acid residue is found in multiple mammalian species, which suggests that this missense change does not adversely affect protein function. In summary, the available evidence is currently insufficient to determine the role of this variant in disease. Therefore, it has been classified as a Variant of Uncertain Significance.